The following is an entry in ClinVar:

ClinVar aggregate classification (germline): Pathogenic (1 of 4 stars; one submission).

Submission:

CeGaT Center for Human Genetics Tuebingen
Classification: Pathogenic. Last evaluated: 2025-09-01. Review status: criteria provided, single submitter. Criteria: CeGaT Center For Human Genetics Tuebingen Variant Classification Criteria Version 2. Collection method: clinical testing. Allele origin: germline. Affected: yes. Observed: 1 variant allele.
Comment: CAPRIN1: PVS1, PM2

NM_005898.5(CAPRIN1):c.1635T>A (p.Tyr545Ter)

Gene: CAPRIN1 (cell cycle associated protein 1; plus strand). Cytogenetic location: 11p13.
Variant type: single nucleotide variant.
Coding change: c.1635T>A on transcript NM_005898.5 (MANE Select); coding-DNA position 1635, T replaced by A.
Protein change: p.Tyr545Ter; replaces tyrosine 545 with a stop codon.
Molecular consequence: nonsense.
Genome position (GRCh38, 1-based): chr11:34,091,986, T>A. VCF-style: chr11-34091986-T-A. GRCh37 (hg19) VCF-style: chr11-34113533-T-A.
Other names: c.1635T>A, p.Tyr545Ter (NM_203364.3); short protein forms Y545*.
Identifiers: ClinVar variation 4281350 (VCV004281350.7).
Genomic context (GRCh38, chr11:34,091,986, plus strand): 5'-AGTTCCTCCTGTTAATGAACCAGAAACTTTAAAACAGCAAAATCAGTACCAGGCCAGTTA[T>A]AACCAGAGCTTTTCTAGTCAGCCTCACCAAGTAGAACAAACAGAGCTTCAGCAAGAACAG-3'